The following is an entry in ClinVar:

ClinVar aggregate classification (germline): Uncertain significance. Review status: criteria provided, single submitter (1 of 4 stars). 2 submissions from 2 submitters: Uncertain significance (1). 1 of the submissions does not count toward it. Last evaluated 2025-02-03.

Conditions:
Olaparib response. Also called: Lynparza response. Identifiers: MedGen CN224080.

Allele frequency attached by ClinVar (database versions not stated): gnomAD exomes 0.00001; TOPMed 0.00001; ExAC 0.00003.

Submissions (2):

Labcorp Genetics (formerly Invitae), Labcorp
Classification: Uncertain significance. Last evaluated: 2025-02-03. Review status: criteria provided, single submitter. Criteria: Invitae Variant Classification Sherloc (09022015). Collection method: clinical testing. Allele origin: germline.
Comment: This sequence change replaces leucine, which is neutral and non-polar, with proline, which is neutral and non-polar, at codon 878 of the GEN1 protein (p.Leu878Pro). This variant is present in population databases (rs762704406, gnomAD 0.02%). This variant has not been reported in the literature in individuals affected with GEN1-related conditions. ClinVar contains an entry for this variant (Variation ID: 2171226). An algorithm developed to predict the effect of missense changes on protein structure and function outputs the following: PolyPhen-2: "Benign". The proline amino acid residue is found in multiple mammalian species, which suggests that this missense change does not adversely affect protein function. Experimental studies have shown that this missense change does not substantially affect GEN1 function (PMID: 38349998). In summary, the available evidence is currently insufficient to determine the role of this variant in disease. Therefore, it has been classified as a Variant of Uncertain Significance.

Department of Thoracic Surgery and State Key Laboratory of Genetic Engineering, Fudan University Shanghai Cancer Center
Classification: drug response for Olaparib response. Last evaluated: 2023-11-01. Review status: no assertion criteria provided. Collection method: research. Allele origin: germline. Affected: yes. Not counted in ClinVar's aggregate classification.
Comment: Germline variants of Holliday junction resolvase genes in multiple primary malignancies involving lung cancer lead to Olaparib sensitization.

Literature cited by the submitters: PubMed 38349998 (cited by Labcorp Genetics (formerly Invitae), Labcorp).

NM_001130009.3(GEN1):c.2633T>C (p.Leu878Pro)

Gene: GEN1 (GEN1 structure-specific endonuclease; plus strand). Cytogenetic location: 2p24.2.
Variant type: single nucleotide variant.
Coding change: c.2633T>C on transcript NM_001130009.3 (MANE Select); coding-DNA position 2633, T replaced by C.
Protein change: p.Leu878Pro; replaces leucine 878 with proline.
Molecular consequence: missense variant.
Genome position (GRCh38, 1-based): chr2:17,781,845, T>C. VCF-style: chr2-17781845-T-C. GRCh37 (hg19) VCF-style: chr2-17963112-T-C.
Other names: c.2633T>C, p.Leu878Pro (NM_182625.5); short protein forms L878P.
Identifiers: ClinVar variation 2171226 (VCV002171226.5), dbSNP rs762704406, ClinGen allele CA1540991.